The following is an entry in ClinVar:

ClinVar aggregate classification (germline): Conflicting classifications of pathogenicity. Review status: criteria provided, conflicting classifications (1 of 4 stars). 6 submissions from 6 submitters: Uncertain significance (1); Likely benign (5). Last evaluated 2026-06-01.

Conditions:
Ehlers-Danlos syndrome (EDS). Identifiers: Orphanet 98249, MedGen C0013720, MONDO:0020066.
Spondylodysplastic Ehlers-Danlos syndrome. Identifiers: Orphanet 536471, Orphanet 75496, MedGen C5680154, MONDO:0007526.

Allele frequency attached by ClinVar (database versions not stated): gnomAD 0.00006; TOPMed 0.00006; gnomAD exomes 0.00007 and 0.00008; ExAC 0.00010; ESP Exome Variant Server 0.00015.

Submissions (6):

Women's Health and Genetics/Laboratory Corporation of America, LabCorp
Classification: Likely benign. Last evaluated: 2026-06-01. Review status: criteria provided, single submitter. Criteria: LabCorp Variant Classification Summary - May 2015. Collection method: clinical testing. Allele origin: germline.

Labcorp Genetics (formerly Invitae), Labcorp
Classification: Likely benign for Spondylodysplastic Ehlers-Danlos syndrome. Last evaluated: 2026-02-04. Review status: criteria provided, single submitter. Criteria: Invitae Variant Classification Sherloc (09022015). Collection method: clinical testing. Allele origin: germline.

Blueprint Genetics
Classification: Likely benign. Last evaluated: 2024-10-02. Review status: criteria provided, single submitter. Criteria: ACMG Guidelines, 2015. Collection method: clinical testing. Allele origin: germline.

CeGaT Center for Human Genetics Tuebingen
Classification: Likely benign. Last evaluated: 2024-04-01. Review status: criteria provided, single submitter. Criteria: CeGaT Center For Human Genetics Tuebingen Variant Classification Criteria Version 2. Collection method: clinical testing. Allele origin: germline. Affected: yes. Observed: 2 variant alleles.
Comment: B4GALT7: BP4, BP7

Genome Diagnostics Laboratory, The Hospital for Sick Children
Classification: Uncertain significance for Ehlers-Danlos syndrome. Last evaluated: 2021-05-31. Review status: criteria provided, single submitter. Criteria: ACMG Guidelines, 2015. Collection method: clinical testing. Allele origin: germline.

GeneDx
Classification: Likely benign. Last evaluated: 2018-04-25. Review status: criteria provided, single submitter. Criteria: GeneDx Variant Classification (06012015). Collection method: clinical testing. Allele origin: germline. Affected: yes.
Comment: This variant is considered likely benign or benign based on one or more of the following criteria: it is a conservative change, it occurs at a poorly conserved position in the protein, it is predicted to be benign by multiple in silico algorithms, and/or has population frequency not consistent with disease.

NM_007255.3(B4GALT7):c.315C>T (p.Phe105=)

Gene: B4GALT7 (beta-1,4-galactosyltransferase 7; plus strand). Cytogenetic location: 5q35.3.
Variant type: single nucleotide variant.
Coding change: c.315C>T on transcript NM_007255.3 (MANE Select); coding-DNA position 315, C replaced by T.
Protein change: p.Phe105=; no amino-acid change (phenylalanine 105 retained).
Molecular consequence: synonymous variant.
Genome position (GRCh38, 1-based): chr5:177,604,443, C>T. VCF-style: chr5-177604443-C-T. GRCh37 (hg19) VCF-style: chr5-177031444-C-T.
Identifiers: ClinVar variation 682275 (VCV000682275.37), dbSNP rs150487733, ClinGen allele CA3586443.